The following is an entry in ClinVar:

ClinVar aggregate classification (germline): Likely pathogenic (1 of 4 stars; one submission).

Conditions:
Brachyolmia-amelogenesis imperfecta syndrome. Also called: PLATYSPONDYLY WITH AMELOGENESIS IMPERFECTA; Tooth agenesis, selective, 6; Dental anomalies and short stature. Identifiers: Orphanet 2899, MedGen C1832594, MONDO:0011018, OMIM 601216. Disease mechanism: loss of function.

Submission:

Labcorp Genetics (formerly Invitae), Labcorp
Classification: Likely pathogenic for Brachyolmia-amelogenesis imperfecta syndrome. Last evaluated: 2022-12-20. Review status: criteria provided, single submitter. Criteria: Invitae Variant Classification Sherloc (09022015). Collection method: clinical testing. Allele origin: germline.
Comment: In summary, the currently available evidence indicates that the variant is pathogenic, but additional data are needed to prove that conclusively. Therefore, this variant has been classified as Likely Pathogenic. Algorithms developed to predict the effect of sequence changes on RNA splicing suggest that this variant may disrupt the consensus splice site. This variant has not been reported in the literature in individuals affected with LTBP3-related conditions. This variant is not present in population databases (gnomAD no frequency). This sequence change affects an acceptor splice site in intron 7 of the LTBP3 gene. It is expected to disrupt RNA splicing. Variants that disrupt the donor or acceptor splice site typically lead to a loss of protein function (PMID: 16199547), and loss-of-function variants in LTBP3 are known to be pathogenic (PMID: 11790802, 19344874, 25669657).

Literature cited by the submitters: PubMed 16199547; PubMed 11790802; PubMed 19344874; PubMed 25669657.

NM_001130144.3(LTBP3):c.1346-1G>A

Gene: LTBP3 (latent transforming growth factor beta binding protein 3; minus strand). Cytogenetic location: 11q13.1.
Variant type: single nucleotide variant.
Coding change: c.1346-1G>A on transcript NM_001130144.3 (MANE Select); the canonical splice acceptor site of the intron before coding-DNA position 1346, G replaced by A.
Molecular consequence: splice acceptor variant.
Genome position (GRCh38, 1-based): chr11:65,552,158, C>T on the plus strand (G>A on the coding strand, the complement: LTBP3 is on the minus strand). VCF-style: chr11-65552158-C-T. GRCh37 (hg19) VCF-style: chr11-65319629-C-T.
Other names: c.995-1G>A (NM_001164266.1); c.1346-1G>A (NM_021070.4).
Identifiers: ClinVar variation 2822352 (VCV002822352.3), dbSNP rs2496169379, ClinGen allele CA381273664.